The following is an entry in ClinVar:

ClinVar aggregate classification (germline): Likely pathogenic. Review status: criteria provided, multiple submitters, no conflicts (2 of 4 stars). 3 submissions from 3 submitters: Likely pathogenic (3). Last evaluated 2025-04-18.

Conditions:
Hermansky-Pudlak syndrome (HPS). Also called: ALBINISM WITH HEMORRHAGIC DIATHESIS AND PIGMENTED RETICULOENDOTHELIAL CELLS. Identifiers: Orphanet 79430, MedGen C0079504, MONDO:0019312.
Hermansky-Pudlak syndrome 3 (HPS3). Identifiers: Orphanet 231512, Orphanet 79430, MedGen C3888001, MONDO:0013555, OMIM 614072.

gnomAD v4.1: 3 of 1,613,238 alleles (0.00019%); highest among the groups gnomAD compares: South Asian, 0.0033%; no homozygotes.

Submissions (3):

Natera, Inc.
Classification: Likely pathogenic for Hermansky-Pudlak syndrome. Last evaluated: 2025-04-18. Review status: criteria provided, single submitter. Criteria: Natera Variant Classification Schema (03/2026). Collection method: clinical testing. Allele origin: germline.
Comment: The c.823G>T variant in HPS3 is a nonsense variant predicted to introduce a stop codon at amino acid 275. This variant is expected to result in nonsense mediated decay, truncation, or a dysfunctional protein product. This variant is rare in the general population with a frequency below the threshold expected for the associated phenotype(s). Given the available evidence, this variant is classified as Likely Pathogenic.

Baylor Genetics
Classification: Likely pathogenic for Hermansky-Pudlak syndrome 3. Last evaluated: 2022-10-19. Review status: criteria provided, single submitter. Criteria: ACMG Guidelines, 2015. Collection method: clinical testing. Allele origin: unknown.

Myriad Genetics, Inc.
Classification: Likely pathogenic for Hermansky-Pudlak syndrome 3. Last evaluated: 2022-03-03. Review status: criteria provided, single submitter. Criteria: Myriad Women's Health Autosomal Recessive and X-Linked Classification Criteria (2021). Collection method: clinical testing. Allele origin: unknown.
Comment: NM_032383.3(HPS3):c.823G>T(E275*) is expected to be pathogenic in the context of Hermansky-Pudlak syndrome type 3. This variant is predicted to lead to an abnormal or absent protein product due to the creation of a premature termination codon in HPS3, a gene where loss-of-function variants are known to be pathogenic. Please note: this variant was assessed in the context of healthy population screening.

NM_032383.5(HPS3):c.823G>T (p.Glu275Ter)

Gene: HPS3 (HPS3 biogenesis of lysosomal organelles complex 2 subunit 1; plus strand). Cytogenetic location: 3q24.
Variant type: single nucleotide variant.
Coding change: c.823G>T on transcript NM_032383.5 (MANE Select); coding-DNA position 823, G replaced by T.
Protein change: p.Glu275Ter; replaces glutamic acid 275 with a stop codon.
Molecular consequence: nonsense.
Genome position (GRCh38, 1-based): chr3:149,141,127, G>T. VCF-style: chr3-149141127-G-T. GRCh37 (hg19) VCF-style: chr3-148858914-G-T.
Other names: c.823G>T (NM_032383.4); c.328G>T, p.Glu110Ter (NM_001308258.2); short protein forms E110*, E275*.
Identifiers: ClinVar variation 1724929 (VCV001724929.5), dbSNP rs34388030, ClinGen allele CA354913548.
Genomic context (GRCh38, chr3:149,141,127, plus strand): 5'-CAGAAGCCCCTGGAACTTCTTGGTGAAAAAAGTGAACAGTCTGGATTATCTGTTACACTG[G>T]AGTCTACGGGATTAGCTGATGAAAAAAGAAAATATTCCCACTTTCAGCACCTGCTCTATA-3'